The following is an entry in ClinVar:

ClinVar aggregate classification (germline): Uncertain significance (1 of 4 stars; one submission).

Conditions:
Isolated microphthalmia 5. Also called: Posterior Microphthalmia with Retinitis Pigmentosa, Foveoschisis, and Optic Disc Drusen. Identifiers: Orphanet 251279, MedGen C1970236, MONDO:0012605, OMIM 611040.

Submission:

Labcorp Genetics (formerly Invitae), Labcorp
Classification: Uncertain significance for Isolated microphthalmia 5. Last evaluated: 2024-12-16. Review status: criteria provided, single submitter. Criteria: Invitae Variant Classification Sherloc (09022015). Collection method: clinical testing. Allele origin: germline.
Comment: This sequence change replaces aspartic acid, which is acidic and polar, with glycine, which is neutral and non-polar, at codon 445 of the MFRP protein (p.Asp445Gly). This variant is not present in population databases (gnomAD no frequency). This variant has not been reported in the literature in individuals affected with MFRP-related conditions. ClinVar contains an entry for this variant (Variation ID: 1007076). Invitae Evidence Modeling of protein sequence and biophysical properties (such as structural, functional, and spatial information, amino acid conservation, physicochemical variation, residue mobility, and thermodynamic stability) indicates that this missense variant is not expected to disrupt MFRP protein function with a negative predictive value of 80%. In summary, the available evidence is currently insufficient to determine the role of this variant in disease. Therefore, it has been classified as a Variant of Uncertain Significance.

NM_031433.4(MFRP):c.1334A>G (p.Asp445Gly)

Genes: C1QTNF5 (C1q and TNF related 5; minus strand), MFRP (membrane frizzled-related protein; minus strand). Cytogenetic location: 11q23.3.
Variant type: single nucleotide variant.
Coding change: c.1334A>G on transcript NM_031433.4 (MANE Select); coding-DNA position 1334, A replaced by G.
Protein change: p.Asp445Gly; replaces aspartic acid 445 with glycine.
Molecular consequence: missense variant. On other transcripts: 5 prime UTR variant (1).
Genome position (GRCh38, 1-based): chr11:119,342,649, T>C on the plus strand (A>G on the coding strand, the complement: MFRP is on the minus strand). VCF-style: chr11-119342649-T-C. GRCh37 (hg19) VCF-style: chr11-119213359-T-C.
Other names: c.-1303A>G (NM_015645.5); short protein forms D445G.
Identifiers: ClinVar variation 1007076 (VCV001007076.47), dbSNP rs1950514318, ClinGen allele CA382973343.
Genomic context (GRCh38, chr11:119,342,649, plus strand): 5'-TTCTCACCTGGGGGTGGGAACAAGGGGCCGCTGCAGTTGTCATCGCTGCCATCGGTGCAG[T>C]CTCTCCACATGTCACACATCCACTGCACACCCTTACACCCTCCTGCCTGGCAGGAGAGCT-3'
Protein context (NP_113621.1, residues 435-455): GVQWMCDMWR[Asp445Gly]CTDGSDDNCS